The following is an entry in ClinVar:

ClinVar aggregate classification (germline): Uncertain significance. Review status: criteria provided, multiple submitters, no conflicts (2 of 4 stars). 2 submissions from 2 submitters: Uncertain significance (2). Last evaluated 2025-06-09.

Allele frequency attached by ClinVar (database versions not stated): ExAC 0.00002; TOPMed 0.00003; gnomAD 0.00003.

Submissions (2):

Labcorp Genetics (formerly Invitae), Labcorp
Classification: Uncertain significance. Last evaluated: 2025-06-09. Review status: criteria provided, single submitter. Criteria: Invitae Variant Classification Sherloc (09022015). Collection method: clinical testing. Allele origin: germline.
Comment: This sequence change replaces threonine, which is neutral and polar, with methionine, which is neutral and non-polar, at codon 109 of the TUBA8 protein (p.Thr109Met). This variant is present in population databases (rs2234328, gnomAD 0.03%). This variant has not been reported in the literature in individuals affected with TUBA8-related conditions. ClinVar contains an entry for this variant (Variation ID: 2962881). Invitae Evidence Modeling of protein sequence and biophysical properties (such as structural, functional, and spatial information, amino acid conservation, physicochemical variation, residue mobility, and thermodynamic stability) indicates that this missense variant is expected to disrupt TUBA8 protein function with a positive predictive value of 80%. In summary, the available evidence is currently insufficient to determine the role of this variant in disease. Therefore, it has been classified as a Variant of Uncertain Significance.

Ambry Genetics
Classification: Uncertain significance. Last evaluated: 2025-01-18. Review status: criteria provided, single submitter. Criteria: Ambry Variant Classification Scheme 2023. Collection method: clinical testing. Allele origin: germline.

NM_018943.3(TUBA8):c.326C>T (p.Thr109Met)

Gene: TUBA8 (tubulin alpha 8; plus strand). Cytogenetic location: 22q11.21.
Variant type: single nucleotide variant.
Coding change: c.326C>T on transcript NM_018943.3 (MANE Select); coding-DNA position 326, C replaced by T.
Protein change: p.Thr109Met; replaces threonine 109 with methionine.
Molecular consequence: missense variant.
Genome position (GRCh38, 1-based): chr22:18,124,255, C>T. VCF-style: chr22-18124255-C-T. GRCh37 (hg19) VCF-style: chr22-18607022-C-T.
Other names: c.128C>T, p.Thr43Met (NM_001193414.2); c.326C>T (NM_018943.2); short protein forms T43M, T109M.
Identifiers: ClinVar variation 2962881 (VCV002962881.4), dbSNP rs2234328, ClinGen allele CA10093641.